The following is an entry in ClinVar:

ClinVar aggregate classification (germline): Uncertain significance (1 of 4 stars; one submission).

Conditions:
Succinyl-CoA acetoacetate transferase deficiency (SCOTD). Also called: 3-Oxoacid CoA Transferase Deficiency; SCOT DEFICIENCY; SUCCINYL-CoA:3-KETOACID CoA-TRANSFERASE DEFICIENCY; KETOACIDOSIS DUE TO SCOT DEFICIENCY; Succinyl CoA:3-oxoacid CoA transferase deficiency. Identifiers: Orphanet 832, MedGen C0342792, MONDO:0009492, OMIM 245050.

Allele frequency attached by ClinVar (database versions not stated): gnomAD exomes below 0.00001; gnomAD 0.00001.
gnomAD v4.1: 2 of 1,613,556 alleles (0.00012%); highest among the groups gnomAD compares: Admixed American, 0.0033%; no homozygotes.

Submission:

Labcorp Genetics (formerly Invitae), Labcorp
Classification: Uncertain significance for Succinyl-CoA acetoacetate transferase deficiency. Last evaluated: 2019-12-03. Review status: criteria provided, single submitter. Criteria: Invitae Variant Classification Sherloc (09022015). Collection method: clinical testing. Allele origin: germline.
Comment: Algorithms developed to predict the effect of missense changes on protein structure and function output the following: SIFT: "Tolerated"; PolyPhen-2: "Benign"; Align-GVGD: "Class C0". The serine amino acid residue is found in multiple mammalian species, suggesting that this missense change does not adversely affect protein function. These predictions have not been confirmed by published functional studies and their clinical significance is uncertain. This variant has not been reported in the literature in individuals with OXCT1-related conditions. This variant is not present in population databases (ExAC no frequency). This sequence change replaces alanine with serine at codon 22 of the OXCT1 protein (p.Ala22Ser). The alanine residue is weakly conserved and there is a moderate physicochemical difference between alanine and serine. In summary, the available evidence is currently insufficient to determine the role of this variant in disease. Therefore, it has been classified as a Variant of Uncertain Significance.

NM_000436.4(OXCT1):c.64G>T (p.Ala22Ser)

Genes: OXCT1-AS1 (OXCT1 antisense RNA 1; plus strand), OXCT1 (3-oxoacid CoA-transferase 1; minus strand). Cytogenetic location: 5p13.1.
Variant type: single nucleotide variant.
Coding change: c.64G>T on transcript NM_000436.4 (MANE Select); coding-DNA position 64, G replaced by T.
Protein change: p.Ala22Ser; replaces alanine 22 with serine.
Molecular consequence: missense variant. On other transcripts: non-coding transcript variant (2), 5 prime UTR variant (1).
Genome position (GRCh38, 1-based): chr5:41,870,295, C>A on the plus strand (G>T on the coding strand, the complement: OXCT1 is on the minus strand). VCF-style: chr5-41870295-C-A. GRCh37 (hg19) VCF-style: chr5-41870397-C-A.
Other names: c.64G>T, p.Ala22Ser (NM_001364299.2, NM_001364301.2, NM_001364302.2); c.-552G>T (NM_001364300.2); short protein forms A22S.
Identifiers: ClinVar variation 838792 (VCV000838792.9), dbSNP rs1750229851, ClinGen allele CA359629125.